The following is an entry in ClinVar:

NM_001042492.3(NF1):c.3994del (p.Glu1333fs)

Gene: NF1 (neurofibromin 1; plus strand). Cytogenetic location: 17q11.2.
Variant type: Deletion.
Coding change: c.3994del on transcript NM_001042492.3 (MANE Select); coding-DNA position 3994, one base deleted (C; older notation c.3994delC).
Protein change: p.Glu1333fs; shifts the reading frame from glutamic acid 1333.
Molecular consequence: frameshift variant.
Genome position (GRCh38, 1-based): chr17:31,249,003, C deleted; the last of 2 consecutive C bases (chr17:31,249,002-31,249,003); deleting either gives the same sequence. VCF-style (leftmost placement, unchanged base first): chr17-31249001-GC-G. GRCh37 (hg19) VCF-style: chr17-29576019-GC-G.
Other names: c.3994delC, p.Glu1333Argfs (NM_000267.4); short protein forms E1333fs.
Identifiers: ClinVar variation 3728250 (VCV003728250.2).

ClinVar aggregate classification (germline): Pathogenic (1 of 4 stars; one submission).

Conditions:
Neurofibromatosis, type 1 (NF1). Also called: NEUROFIBROMATOSIS, TYPE I, SOMATIC; Peripheral type neurofibromatosis; Neurofibromatosis, type I; VON RECKLINGHAUSEN DISEASE. Identifiers: Orphanet 636, MedGen C0027831, MONDO:0018975, OMIM 162200. Disease mechanism: loss of function.

Submission:

Labcorp Genetics (formerly Invitae), Labcorp
Classification: Pathogenic for Neurofibromatosis, type 1. Last evaluated: 2024-12-30. Review status: criteria provided, single submitter. Criteria: Invitae Variant Classification Sherloc (09022015). Collection method: clinical testing. Allele origin: germline.
Comment: This sequence change creates a premature translational stop signal (p.Glu1333Argfs*10) in the NF1 gene. It is expected to result in an absent or disrupted protein product. Loss-of-function variants in NF1 are known to be pathogenic (PMID: 10712197, 23913538). This variant is not present in population databases (gnomAD no frequency). This premature translational stop signal has been observed in individual(s) with NF1-related conditions (PMID: 26740943). For these reasons, this variant has been classified as Pathogenic.

Literature cited by the submitters: PubMed 10712197; PubMed 23913538; PubMed 26740943.